The following is an entry in ClinVar:

ClinVar aggregate classification (germline): Benign. Review status: reviewed by expert panel (3 of 4 stars). 7 submissions from 7 submitters: Benign (1). 6 of the submissions do not count toward it. Last evaluated 2016-09-28.

Conditions:
Breast-ovarian cancer, familial, susceptibility to, 1 (BROVCA1). Also called: BRCA1 Hereditary Breast and Ovarian Cancer; OVARIAN CANCER, SUSCEPTIBILITY TO. Identifiers: Orphanet 145, MedGen C2676676, MONDO:0011450, OMIM 604370. Disease mechanism: loss of function.

Allele frequency attached by ClinVar (database versions not stated): gnomAD below 0.00001 and 0.00057; TOPMed 0.00009; gnomAD exomes 0.00097 and 0.00202; ExAC 0.00229; 1000 Genomes Project 30x 0.00359; 1000 Genomes Project 0.00379.
gnomAD v4.1: 1,473 of 1,589,052 alleles (0.093%); highest among the groups gnomAD compares: South Asian, 1.6%; 31 homozygotes.

Submissions (7):

Evidence-based Network for the Interpretation of Germline Mutant Alleles (ENIGMA)
Classification: Benign for Breast-ovarian cancer, familial, susceptibility to, 1. Last evaluated: 2016-09-28. Review status: reviewed by expert panel. Criteria: ENIGMA BRCA1/2 Classification Criteria (2015). Collection method: curation. Allele origin: germline.
Comment: Class 1 not pathogenic based on frequency >1% in an outbred sampleset. Frequency 0.0194 (South Asian), derived from 1000 genomes (2013-05-02).

Center for Genomic Medicine, Rigshospitalet, Copenhagen University Hospital
Classification: Benign. Last evaluated: 2025-03-04. Review status: criteria provided, single submitter. Criteria: ACMG Guidelines, 2015. Collection method: clinical testing. Allele origin: germline. Not counted in ClinVar's aggregate classification.

KCCC/NGS Laboratory, Kuwait Cancer Control Center
Classification: Benign for Breast-ovarian cancer, familial, susceptibility to, 1. Last evaluated: 2023-07-07. Review status: criteria provided, single submitter. Criteria: ACMG Guidelines, 2015. Collection method: clinical testing. Allele origin: germline. Affected: yes. Not counted in ClinVar's aggregate classification.

GeneDx
Classification: Likely benign. Last evaluated: 2018-08-11. Review status: criteria provided, single submitter. Criteria: GeneDx Variant Classification Process June 2021. Collection method: clinical testing. Allele origin: germline. Affected: yes. Not counted in ClinVar's aggregate classification.

Clinical Genetics DNA and cytogenetics Diagnostics Lab, Erasmus MC, Erasmus Medical Center
Classification: Benign. Review status: no assertion criteria provided. Collection method: clinical testing. Allele origin: germline. Affected: yes. Study: VKGL Data-share Consensus. Not counted in ClinVar's aggregate classification.

Clinical Genetics Laboratory, Department of Pathology, Netherlands Cancer Institute
Classification: Benign. Review status: no assertion criteria provided. Collection method: clinical testing. Allele origin: germline. Affected: yes. Study: VKGL Data-share Consensus. Not counted in ClinVar's aggregate classification.

Joint Genome Diagnostic Labs from Nijmegen and Maastricht, Radboudumc and MUMC+
Classification: Benign. Review status: no assertion criteria provided. Collection method: clinical testing. Allele origin: germline. Affected: yes. Study: VKGL Data-share Consensus. Not counted in ClinVar's aggregate classification.

NM_007294.4(BRCA1):c.302-41T>C

Gene: BRCA1 (BRCA1 DNA repair associated; minus strand). Cytogenetic location: 17q21.31.
Variant type: single nucleotide variant.
Coding change: c.302-41T>C on transcript NM_007294.4 (MANE Select); 41 bases into the intron before coding-DNA position 302, T replaced by C.
Molecular consequence: intron variant.
Genome position (GRCh38, 1-based): chr17:43,104,302, A>G on the plus strand (T>C on the coding strand, the complement: BRCA1 is on the minus strand). VCF-style: chr17-43104302-A-G. GRCh37 (hg19) VCF-style: chr17-41256319-A-G.
Other names: c.302-41T>C (NM_007300.3, NM_001407667.1, NM_001408423.1 and 165 more transcripts); c.92-41T>C (NM_001408492.1, NM_001407889.1, NM_001408513.1 and 58 more transcripts); c.161-41T>C (NM_001408468.1, NM_001407842.1, NM_001407749.1 and 99 more transcripts); c.-218-9442T>C (NM_001407966.1, NM_001407967.1); c.-80-41T>C (NM_001407963.1, NM_001407960.1, NM_001407965.1 and 4 more transcripts); c.224-41T>C (NM_001408413.1, NM_001407660.1, NM_001407661.1 and 21 more transcripts); c.293-41T>C (NM_001407646.1, NM_001408408.1, NM_001407647.1); c.170-41T>C (NM_001408451.1).
Identifiers: ClinVar variation 264792 (VCV000264792.10), dbSNP rs8176135, ClinGen allele CA055649.